The following is an entry in ClinVar:

ClinVar aggregate classification (germline): Uncertain significance. Review status: criteria provided, multiple submitters, no conflicts (2 of 4 stars). 3 submissions from 3 submitters: Uncertain significance (3). Last evaluated 2025-06-29.

Conditions:
Hereditary nonpolyposis colorectal neoplasms. Identifiers: MedGen C0009405, MeSH D003123.
Hereditary cancer-predisposing syndrome. Also called: Hereditary Cancer Syndrome; Neoplastic Syndromes, Hereditary; Tumor predisposition; Hereditary neoplastic syndrome. Identifiers: Orphanet 140162, MedGen C0027672, MeSH D009386, MONDO:0015356.

Submissions (3):

Dasa
Classification: Uncertain significance. Last evaluated: 2025-06-29. Review status: criteria provided, single submitter. Criteria: DASA Assertion Criteria. Collection method: clinical testing. Allele origin: germline.
Comment: NM_000179.3(MSH6):c.3828A>T (p.Glu1276Asp) is a missense variant that results in the substitution of glutamic acid with aspartic acid. This variant is absent from population databases. Computational prediction algorithms are consistent with a benign effect. The currently available literature and clinical evidence are not sufficient to establish a definitive association between this variant and the reported condition. Therefore, this variant is classified as a variant of uncertain significance.

Labcorp Genetics (formerly Invitae), Labcorp
Classification: Uncertain significance for Hereditary nonpolyposis colorectal neoplasms. Last evaluated: 2024-12-12. Review status: criteria provided, single submitter. Criteria: Invitae Variant Classification Sherloc (09022015). Collection method: clinical testing. Allele origin: germline.
Comment: This sequence change replaces glutamic acid, which is acidic and polar, with aspartic acid, which is acidic and polar, at codon 1276 of the MSH6 protein (p.Glu1276Asp). This variant is not present in population databases (gnomAD no frequency). This missense change has been observed in individual(s) with breast cancer (PMID: 35449176). ClinVar contains an entry for this variant (Variation ID: 824267). Invitae Evidence Modeling of protein sequence and biophysical properties (such as structural, functional, and spatial information, amino acid conservation, physicochemical variation, residue mobility, and thermodynamic stability) indicates that this missense variant is not expected to disrupt MSH6 protein function with a negative predictive value of 95%. In summary, the available evidence is currently insufficient to determine the role of this variant in disease. Therefore, it has been classified as a Variant of Uncertain Significance.

Ambry Genetics
Classification: Uncertain significance for Hereditary cancer-predisposing syndrome. Last evaluated: 2022-08-24. Review status: criteria provided, single submitter. Criteria: Ambry Variant Classification Scheme 2023. Collection method: clinical testing. Allele origin: germline.
Comment: The p.E1276D variant (also known as c.3828A>T), located in coding exon 9 of the MSH6 gene, results from an A to T substitution at nucleotide position 3828. The glutamic acid at codon 1276 is replaced by aspartic acid, an amino acid with highly similar properties. This amino acid position is well conserved in available vertebrate species. In addition, the in silico prediction for this alteration is inconclusive. Since supporting evidence is limited at this time, the clinical significance of this alteration remains unclear.

Literature cited by the submitters: PubMed 35449176 (cited by Labcorp Genetics (formerly Invitae), Labcorp).

NM_000179.3(MSH6):c.3828A>T (p.Glu1276Asp)

Gene: MSH6 (mutS homolog 6; plus strand). Cytogenetic location: 2p16.3.
Variant type: single nucleotide variant.
Coding change: c.3828A>T on transcript NM_000179.3 (MANE Select); coding-DNA position 3828, A replaced by T.
Protein change: p.Glu1276Asp; replaces glutamic acid 1276 with aspartic acid.
Molecular consequence: missense variant.
Genome position (GRCh38, 1-based): chr2:47,806,478, A>T. VCF-style: chr2-47806478-A-T. GRCh37 (hg19) VCF-style: chr2-48033617-A-T.
Other names: c.3438A>T, p.Glu1146Asp (NM_001281492.2); c.2922A>T, p.Glu974Asp (NM_001281493.2, NM_001281494.2); short protein forms E1146D, E1276D, E974D.
Identifiers: ClinVar variation 824267 (VCV000824267.8), dbSNP rs1314334810, ClinGen allele CA346761268.
Genomic context (GRCh38, chr2:47,806,478, plus strand): 5'-AGCACATGTATCGCTAATATTTTTCTTTCTTAAGGCATGCATGGTAGAAAATGAATGTGA[A>T]GACCCCAGCCAGGAGACTATTACGTTCCTCTATAAATTCATTAAGGGAGCTTGTCCTAAA-3'
Protein context (NP_000170.1, residues 1266-1286): HMACMVENEC[Glu1276Asp]DPSQETITFL